The following is an entry in ClinVar:

NM_015559.3(SETBP1):c.1058_1059delinsTC (p.Asp353Val)

Gene: SETBP1 (SET binding protein 1; plus strand). Cytogenetic location: 18q12.3.
Variant type: Indel.
Coding change: c.1058_1059delinsTC on transcript NM_015559.3 (MANE Select); coding-DNA positions 1058 to 1059, AT replaced by TC.
Protein change: p.Asp353Val; replaces aspartic acid 353 with valine.
Molecular consequence: missense variant.
Genome position (GRCh38, 1-based): chr18:44,950,398-44,950,399, AT replaced by TC. VCF-style: chr18-44950398-AT-TC. GRCh37 (hg19) VCF-style: chr18-42530363-AT-TC.
Other names: c.1058_1059delinsTC, p.Asp353Val (NM_001379141.1, NM_001379142.1); short protein forms D353V.
Identifiers: ClinVar variation 1199493 (VCV001199493.10), dbSNP rs2145095402, ClinGen allele CA2499225142.
Genomic context (GRCh38, chr18:44,950,398, plus strand): 5'-GCAAGAAAAAGTCCAGTAAAAAAGATGTGATAAGTCAGACCATACCAAACCCAGACCTGG[AT>TC]TGGGTCAAGAATGCCCAGAAAGCATTTGACAATACAGAAGGGAAAAGGGAAGGTTATTCC-3'
Protein context (NP_056374.2, residues 343-363): ISQTIPNPDL[Asp353Val]WVKNAQKAFD

ClinVar aggregate classification (germline): Conflicting classifications of pathogenicity. Review status: criteria provided, conflicting classifications (1 of 4 stars). 3 submissions from 3 submitters: Uncertain significance (2); Likely benign (1). Last evaluated 2026-01-12.

Conditions:
Schinzel-Giedion syndrome (SGS). Identifiers: Orphanet 798, MedGen C0265227, MONDO:0010010, OMIM 269150.
Intellectual developmental disorder, autosomal dominant 29. Also called: SETBP1 Haploinsufficiency Disorder; Intellectual disability, autosomal dominant 29. Identifiers: Orphanet 436151, MedGen C4015141, MONDO:0014482, OMIM 616078.

Submissions (3):

Labcorp Genetics (formerly Invitae), Labcorp
Classification: Likely benign. Last evaluated: 2026-01-12. Review status: criteria provided, single submitter. Criteria: Invitae Variant Classification Sherloc (09022015). Collection method: clinical testing. Allele origin: germline.

Fulgent Genetics
Classification: Uncertain significance for Schinzel-Giedion syndrome; Intellectual developmental disorder, autosomal dominant 29. Last evaluated: 2022-03-30. Review status: criteria provided, single submitter. Criteria: ACMG Guidelines, 2015. Collection method: clinical testing. Allele origin: unknown.

GeneDx
Classification: Uncertain significance. Last evaluated: 2021-03-18. Review status: criteria provided, single submitter. Criteria: GeneDx Variant Classification Process June 2021. Collection method: clinical testing. Allele origin: germline. Affected: yes.
Comment: In silico analysis, which includes protein predictors and evolutionary conservation, supports a deleterious effect; Has not been previously published as pathogenic or benign to our knowledge